The following is an entry in ClinVar:

ClinVar aggregate classification (germline): Likely benign (1 of 4 stars; one submission).

gnomAD v4.1: 91 of 1,556,686 alleles (0.0058%); highest among the groups gnomAD compares: Non-Finnish European, 0.0068%; no homozygotes.

Submission:

Mayo Clinic Laboratories, Mayo Clinic
Classification: Likely benign. Last evaluated: 2025-09-08. Review status: criteria provided, single submitter. Criteria: ACMG Guidelines, 2015. Collection method: clinical testing. Allele origin: germline. Observed: 2 variant alleles.
Comment: BS2, BP4, BP7

NM_001103146.3(GIGYF2):c.2052C>T (p.Ser684=)

Gene: GIGYF2 (GRB10 interacting GYF protein 2; plus strand). Cytogenetic location: 2q37.1.
Variant type: single nucleotide variant.
Coding change: c.2052C>T on transcript NM_001103146.3 (MANE Select); coding-DNA position 2052, C replaced by T.
Protein change: p.Ser684=; no amino-acid change (serine 684 retained).
Molecular consequence: synonymous variant. On other transcripts: non-coding transcript variant (1).
Genome position (GRCh38, 1-based): chr2:232,812,436, C>T. VCF-style: chr2-232812436-C-T. GRCh37 (hg19) VCF-style: chr2-233677146-C-T.
Other names: p.Ser684=; c.2115C>T, p.Ser705= (NM_001103147.2); c.2034C>T, p.Ser678= (NM_001103148.2); c.2052C>T, p.Ser684= (NM_015575.4).
Identifiers: ClinVar variation 4684662 (VCV004684662.1).